The following is an entry in ClinVar:

NM_020937.4(FANCM):c.790A>G (p.Ile264Val)

Gene: FANCM (FA complementation group M; plus strand). Cytogenetic location: 14q21.2.
Variant type: single nucleotide variant.
Coding change: c.790A>G on transcript NM_020937.4 (MANE Select); coding-DNA position 790, A replaced by G.
Protein change: p.Ile264Val; replaces isoleucine 264 with valine.
Molecular consequence: missense variant.
Genome position (GRCh38, 1-based): chr14:45,148,867, A>G. VCF-style: chr14-45148867-A-G. GRCh37 (hg19) VCF-style: chr14-45618070-A-G.
Other names: c.712A>G, p.Ile238Val (NM_001308133.2); c.790A>G, p.Ile264Val (NM_001308134.2); short protein forms I264V, I238V.
Identifiers: ClinVar variation 1917545 (VCV001917545.5), dbSNP rs2503084083, ClinGen allele CA389589828.

ClinVar aggregate classification (germline): Uncertain significance (1 of 4 stars; one submission).

Conditions:
Fanconi anemia (FA). Also called: Fanconi's anemia. Identifiers: Orphanet 84, MedGen C0015625, MeSH D005199, MONDO:0019391.

Submission:

Labcorp Genetics (formerly Invitae), Labcorp
Classification: Uncertain significance for Fanconi anemia. Last evaluated: 2022-08-06. Review status: criteria provided, single submitter. Criteria: Invitae Variant Classification Sherloc (09022015). Collection method: clinical testing. Allele origin: germline.
Comment: Algorithms developed to predict the effect of missense changes on protein structure and function are either unavailable or do not agree on the potential impact of this missense change (SIFT: "Deleterious"; PolyPhen-2: "Benign"; Align-GVGD: "Class C0"). This sequence change replaces isoleucine, which is neutral and non-polar, with valine, which is neutral and non-polar, at codon 264 of the FANCM protein (p.Ile264Val). This variant is not present in population databases (gnomAD no frequency). This variant has not been reported in the literature in individuals affected with FANCM-related conditions. In summary, the available evidence is currently insufficient to determine the role of this variant in disease. Therefore, it has been classified as a Variant of Uncertain Significance.